The following is an entry in ClinVar:

ClinVar aggregate classification (germline): Uncertain significance. Review status: criteria provided, multiple submitters, no conflicts (2 of 4 stars). 4 submissions from 4 submitters: Uncertain significance (3). 1 of the submissions does not count toward it. Last evaluated 2025-12-29.

Conditions:
Creatine deficiency syndrome 1.
Creatine transporter deficiency (CCDS1). Also called: Creatine Transporter (CRTR) Deficiency; Mental retardation , X-linked with seizures, short stature and midface hypoplasia; Mental retardation , X-linked, with creatine transport deficiency; X-linked creatine transporter deficiency; X-linked creatine deficiency syndrome; SLC6A8-Related Creatine Transporter Deficiency. Identifiers: Orphanet 52503, MedGen C1845862, MONDO:0010305, OMIM 300352.
Inborn genetic diseases. Identifiers: MedGen C0950123, MeSH D030342.

Allele frequency attached by ClinVar (database versions not stated): TOPMed below 0.00001; gnomAD exomes 0.00001; gnomAD 0.00002.

Submissions (4):

Ambry Genetics
Classification: Uncertain significance for Inborn genetic diseases. Last evaluated: 2025-12-29. Review status: criteria provided, single submitter. Criteria: Ambry Variant Classification Scheme 2023. Collection method: clinical testing. Allele origin: germline.

Labcorp Genetics (formerly Invitae), Labcorp
Classification: Uncertain significance for Creatine transporter deficiency. Last evaluated: 2024-12-28. Review status: criteria provided, single submitter. Criteria: Invitae Variant Classification Sherloc (09022015). Collection method: clinical testing. Allele origin: germline.
Comment: This sequence change replaces valine, which is neutral and non-polar, with isoleucine, which is neutral and non-polar, at codon 141 of the SLC6A8 protein (p.Val141Ile). The frequency data for this variant in the population databases is considered unreliable, as metrics indicate poor data quality at this position in the gnomAD database. This variant has not been reported in the literature in individuals affected with SLC6A8-related conditions. ClinVar contains an entry for this variant (Variation ID: 971362). Invitae Evidence Modeling of protein sequence and biophysical properties (such as structural, functional, and spatial information, amino acid conservation, physicochemical variation, residue mobility, and thermodynamic stability) indicates that this missense variant is not expected to disrupt SLC6A8 protein function with a negative predictive value of 95%. In summary, the available evidence is currently insufficient to determine the role of this variant in disease. Therefore, it has been classified as a Variant of Uncertain Significance.

GeneDx
Classification: Uncertain significance. Last evaluated: 2021-08-12. Review status: criteria provided, single submitter. Criteria: GeneDx Variant Classification Process June 2021. Collection method: clinical testing. Allele origin: germline. Affected: yes.
Comment: Has not been previously published as pathogenic or benign to our knowledge; In silico analysis, which includes protein predictors and evolutionary conservation, supports that this variant does not alter protein structure/function

Natera, Inc.
Classification: Uncertain significance for Creatine deficiency syndrome 1. Last evaluated: 2021-07-01. Review status: no assertion criteria provided. Collection method: clinical testing. Allele origin: germline. Not counted in ClinVar's aggregate classification.

NM_005629.4(SLC6A8):c.421G>A (p.Val141Ile)

Gene: SLC6A8 (solute carrier family 6 member 8; plus strand). Cytogenetic location: Xq28.
Variant type: single nucleotide variant.
Coding change: c.421G>A on transcript NM_005629.4 (MANE Select); coding-DNA position 421, G replaced by A.
Protein change: p.Val141Ile; replaces valine 141 with isoleucine.
Molecular consequence: missense variant.
Genome position (GRCh38, 1-based): chrX:153,691,330, G>A. VCF-style: chrX-153691330-G-A. GRCh37 (hg19) VCF-style: chrX-152956785-G-A.
Other names: c.421G>A, p.Val141Ile (NM_001142805.2); c.76G>A, p.Val26Ile (NM_001142806.1); short protein forms V141I, V26I.
Identifiers: ClinVar variation 971362 (VCV000971362.13), dbSNP rs1557044413, ClinGen allele CA415078409.